The following is an entry in ClinVar:

NM_014915.3(ANKRD26):c.3313_3314del (p.Gln1105fs)

Gene: ANKRD26 (ankyrin repeat domain 26; minus strand). Cytogenetic location: 10p12.1.
Variant type: Microsatellite.
Coding change: c.3313_3314del on transcript NM_014915.3 (MANE Select); coding-DNA positions 3313 to 3314, 2 bases deleted (CA; older notation c.3313_3314delCA).
Protein change: p.Gln1105fs; shifts the reading frame from glutamine 1105.
Molecular consequence: frameshift variant.
Genome position (GRCh38, 1-based): chr10:27,035,136-27,035,137, TG deleted on the plus strand (CA on the coding strand, the reverse complement: ANKRD26 is on the minus strand); deleting any 2 consecutive bases within chr10:27,035,136-27,035,140 gives the same sequence; the c. name uses the placement nearest the transcript's 3' end. VCF-style (leftmost placement, unchanged base first): chr10-27035135-CTG-C. GRCh37 (hg19) VCF-style: chr10-27324064-CTG-C.
Other names: c.3310_3311del, p.Gln1104fs (NM_001256053.2); short protein forms Q1104fs, Q1105fs.
Identifiers: ClinVar variation 4685615 (VCV004685615.1).

ClinVar aggregate classification (germline): Uncertain significance (1 of 4 stars; one submission).

Conditions:
Thrombocytopenia 2 (THC2). Also called: ANKRD26-Related Thrombocytopenia. Identifiers: Orphanet 268322, MedGen C1861185, MONDO:0008555, OMIM 188000.

Submission:

ARUP Laboratories, Molecular Genetics and Genomics, ARUP Laboratories
Classification: Uncertain significance for Thrombocytopenia 2. Last evaluated: 2025-02-12. Review status: criteria provided, single submitter. Criteria: ARUP Molecular Germline Variant Investigation Process 2024. Collection method: clinical testing. Allele origin: germline.
Comment: The ANKRD26 c.3313_3314del; p.Gln1105ValfsTer13 variant (rs1412657740), to our knowledge, is not reported in the medical literature or gene specific databases. This variant is absent from the Genome Aggregation Database (v2.1.1), indicating it is not a common polymorphism. This variant causes a frameshift by deleting two nucleotides, so it is predicted to result in a truncated protein or mRNA subject to nonsense-mediated decay. However, it is currently unclear if truncating variants in ANKRD26 are associated with disease. Due to limited information, the clinical significance of this variant is uncertain at this time.